The following is an entry in ClinVar:

NM_000548.5(TSC2):c.2194C>A (p.Gln732Lys)

Gene: TSC2 (TSC complex subunit 2; plus strand). Cytogenetic location: 16p13.3.
Variant type: single nucleotide variant.
Coding change: c.2194C>A on transcript NM_000548.5 (MANE Select); coding-DNA position 2194, C replaced by A.
Protein change: p.Gln732Lys; replaces glutamine 732 with lysine.
Molecular consequence: missense variant.
Genome position (GRCh38, 1-based): chr16:2,072,337, C>A. VCF-style: chr16-2072337-C-A. GRCh37 (hg19) VCF-style: chr16-2122338-C-A.
Other names: c.2194C>A, p.Gln732Lys (NM_001077183.3, NM_001114382.3, NM_001363528.2 and 3 more transcripts); c.2083C>A, p.Gln695Lys (NM_001318827.2); c.2047C>A, p.Gln683Lys (NM_001318829.2); c.1594C>A, p.Gln532Lys (NM_001318831.2); c.2227C>A, p.Gln743Lys (NM_001318832.2); short protein forms Q683K, Q732K, Q532K, Q695K, Q743K.
Identifiers: ClinVar variation 943047 (VCV000943047.9), dbSNP rs45517216, ClinGen allele CA394275031.
Genomic context (GRCh38, chr16:2,072,337, plus strand): 5'-AGGCTGCCTGAGTCCCTGCGCTATAAAGTGCTCATCTTTACTTCCCCTTGCAGTGTGGAC[C>A]AGCTGTGCTCTGCTCTCTGCTCCATGGTACCATGGCCGGCCTGGGGTTGGGGTGGGGGAC-3'
Protein context (NP_000539.2, residues 722-742): LIFTSPCSVD[Gln732Lys]LCSALCSMLS

ClinVar aggregate classification (germline): Uncertain significance. Review status: criteria provided, multiple submitters, no conflicts (2 of 4 stars). 3 submissions from 3 submitters: Uncertain significance (3). Last evaluated 2024-11-13.

Conditions:
Tuberous sclerosis 2 (TSC2). Identifiers: Orphanet 805, MedGen C1860707, MONDO:0013199, OMIM 613254.
Hereditary cancer-predisposing syndrome. Also called: Neoplastic Syndromes, Hereditary; Hereditary neoplastic syndrome; Hereditary Cancer Syndrome; Tumor predisposition. Identifiers: Orphanet 140162, MedGen C0027672, MeSH D009386, MONDO:0015356.
Tuberous sclerosis syndrome (TSC). Also called: Tuberous Sclerosis Complex; Tuberous sclerosis. Identifiers: Orphanet 805, MedGen C0041341, MONDO:0001734.

Allele frequency attached by ClinVar (database versions not stated): gnomAD exomes below 0.00001.
gnomAD v4.1: 2 of 1,614,134 alleles (0.00012%); highest among the groups gnomAD compares: Non-Finnish European, 0.00017%; no homozygotes.

Submissions (3):

Labcorp Genetics (formerly Invitae), Labcorp
Classification: Uncertain significance for Tuberous sclerosis 2. Last evaluated: 2024-11-13. Review status: criteria provided, single submitter. Criteria: Invitae Variant Classification Sherloc (09022015). Collection method: clinical testing. Allele origin: germline.
Comment: This sequence change replaces glutamine, which is neutral and polar, with lysine, which is basic and polar, at codon 732 of the TSC2 protein (p.Gln732Lys). This variant is not present in population databases (gnomAD no frequency). This variant has not been reported in the literature in individuals affected with TSC2-related conditions. ClinVar contains an entry for this variant (Variation ID: 943047). Invitae Evidence Modeling of protein sequence and biophysical properties (such as structural, functional, and spatial information, amino acid conservation, physicochemical variation, residue mobility, and thermodynamic stability) indicates that this missense variant is not expected to disrupt TSC2 protein function with a negative predictive value of 95%. In summary, the available evidence is currently insufficient to determine the role of this variant in disease. Therefore, it has been classified as a Variant of Uncertain Significance.

All of Us Research Program, National Institutes of Health
Classification: Uncertain significance for Tuberous sclerosis syndrome. Last evaluated: 2023-06-28. Review status: criteria provided, single submitter. Criteria: ACMG Guidelines, 2015. Collection method: clinical testing. Allele origin: germline. Inheritance: Autosomal dominant inheritance. Observed: 1 variant allele, 1 heterozygote.
Comment: This study involves interpretation of variants in research participants for the purpose of population health screening. Participant phenotype was not available at the time of variant classification. Additional details can be found in publication PMID: 35346344, PMCID: PMC8962531

Ambry Genetics
Classification: Uncertain significance for Hereditary cancer-predisposing syndrome. Last evaluated: 2021-11-24. Review status: criteria provided, single submitter. Criteria: Ambry Variant Classification Scheme 2023. Collection method: clinical testing. Allele origin: germline.
Comment: The p.Q732K variant (also known as c.2194C>A), located in coding exon 19 of the TSC2 gene, results from a C to A substitution at nucleotide position 2194. The glutamine at codon 732 is replaced by lysine, an amino acid with similar properties. This amino acid position is well conserved in available vertebrate species. In addition, the in silico prediction for this alteration is inconclusive. Since supporting evidence is limited at this time, the clinical significance of this alteration remains unclear.